The following is an entry in ClinVar:

NM_005529.7(HSPG2):c.9365T>G (p.Val3122Gly)

Gene: HSPG2 (heparan sulfate proteoglycan 2; minus strand). Cytogenetic location: 1p36.12.
Variant type: single nucleotide variant.
Coding change: c.9365T>G on transcript NM_005529.7 (MANE Select); coding-DNA position 9365, T replaced by G.
Protein change: p.Val3122Gly; replaces valine 3122 with glycine.
Molecular consequence: missense variant.
Genome position (GRCh38, 1-based): chr1:21,841,249, A>C on the plus strand (T>G on the coding strand, the complement: HSPG2 is on the minus strand). VCF-style: chr1-21841249-A-C. GRCh37 (hg19) VCF-style: chr1-22167742-A-C.
Other names: c.9368T>G, p.Val3123Gly (NM_001291860.2); short protein forms V3122G, V3123G.
Identifiers: ClinVar variation 2010581 (VCV002010581.4), dbSNP rs2550660538, ClinGen allele CA338914437.

ClinVar aggregate classification (germline): Uncertain significance (1 of 4 stars; one submission).

Submission:

Labcorp Genetics (formerly Invitae), Labcorp
Classification: Uncertain significance. Last evaluated: 2022-06-25. Review status: criteria provided, single submitter. Criteria: Invitae Variant Classification Sherloc (09022015). Collection method: clinical testing. Allele origin: germline.
Comment: This variant is not present in population databases (gnomAD no frequency). This sequence change replaces valine, which is neutral and non-polar, with glycine, which is neutral and non-polar, at codon 3122 of the HSPG2 protein (p.Val3122Gly). This variant has not been reported in the literature in individuals affected with HSPG2-related conditions. In summary, the available evidence is currently insufficient to determine the role of this variant in disease. Therefore, it has been classified as a Variant of Uncertain Significance. Algorithms developed to predict the effect of missense changes on protein structure and function (SIFT, PolyPhen-2, Align-GVGD) all suggest that this variant is likely to be disruptive.